The following is an entry in ClinVar:

ClinVar aggregate classification (germline): Uncertain significance (1 of 4 stars; one submission).

Conditions:
Very long chain acyl-CoA dehydrogenase deficiency (ACADVLD). Also called: VLCAD Deficiency; Very Long-Chain Acyl-Coenzyme A Dehydrogenase Deficiency. Identifiers: Orphanet 26793, MedGen C3887523, MONDO:0008723, OMIM 201475.

Submission:

Labcorp Genetics (formerly Invitae), Labcorp
Classification: Uncertain significance for Very long chain acyl-CoA dehydrogenase deficiency. Last evaluated: 2018-07-25. Review status: criteria provided, single submitter. Criteria: Invitae Variant Classification Sherloc (09022015). Collection method: clinical testing. Allele origin: germline.
Comment: This sequence change falls in intron 11 of the ACADVL gene. It does not directly change the encoded amino acid sequence of the ACADVL protein, but it affects a nucleotide within the consensus splice site of the intron. This variant is not present in population databases (ExAC no frequency). This variant has not been reported in the literature in individuals with ACADVL-related disease. Nucleotide substitutions within the consensus splice site are a relatively common cause of aberrant splicing (PMID: 17576681, 9536098). Algorithms developed to predict the effect of sequence changes on RNA splicing suggest that this variant may disrupt the consensus splice site, but this prediction has not been confirmed by published transcriptional studies. In summary, the available evidence is currently insufficient to determine the role of this variant in disease. Therefore, it has been classified as a Variant of Uncertain Significance.

Literature cited by the submitters: PubMed 17576681; PubMed 9536098.

NM_000018.4(ACADVL):c.1182+2dup

Gene: ACADVL (acyl-CoA dehydrogenase very long chain; plus strand). Cytogenetic location: 17p13.1.
Variant type: Duplication.
Coding change: c.1182+2dup on transcript NM_000018.4 (MANE Select); the canonical splice donor site of the intron after coding-DNA position 1182, one base duplicated (T; older notation c.1182+2dupT).
Molecular consequence: splice donor variant.
Genome position (GRCh38, 1-based): chr17:7,223,239, T duplicated. VCF-style (leftmost placement, unchanged base first): chr17-7223238-G-GT. GRCh37 (hg19) VCF-style: chr17-7126557-G-GT.
Other names: c.1251+2dup (NM_001270447.2); c.954+2dup (NM_001270448.2); c.1116+2dup (NM_001033859.3); c.1182+2dupT (NM_000018.3).
Identifiers: ClinVar variation 639347 (VCV000639347.6), dbSNP rs1597532215, ClinGen allele CA915949505.